The following is an entry in ClinVar:

NM_016507.4(CDK12):c.1022C>G (p.Ser341Cys)

Genes: CDK12 (cyclin dependent kinase 12; plus strand), LOC126862553 (CDK7 strongly-dependent group 2 enhancer GRCh37_chr17:37618166-37619365; plus strand). Cytogenetic location: 17q12.
Variant type: single nucleotide variant.
Coding change: c.1022C>G on transcript NM_016507.4 (MANE Select); coding-DNA position 1022, C replaced by G.
Protein change: p.Ser341Cys; replaces serine 341 with cysteine.
Molecular consequence: missense variant.
Genome position (GRCh38, 1-based): chr17:39,463,093, C>G. VCF-style: chr17-39463093-C-G. GRCh37 (hg19) VCF-style: chr17-37619346-C-G.
Other names: c.1022C>G, p.Ser341Cys (NM_015083.4); short protein forms S341C.
Identifiers: ClinVar variation 3830455 (VCV003830455.1).

ClinVar aggregate classification (germline): Uncertain significance (1 of 4 stars; one submission).

gnomAD v4.1: 13 of 1,613,980 alleles (0.00081%); highest among the groups gnomAD compares: East Asian, 0.0022%; no homozygotes.

Submission:

Ambry Genetics
Classification: Uncertain significance. Last evaluated: 2025-01-06. Review status: criteria provided, single submitter. Criteria: Ambry Variant Classification Scheme 2023. Collection method: clinical testing. Allele origin: germline.
Comment: The p.S341C variant (also known as c.1022C>G), located in coding exon 1 of the CDK12 gene, results from a C to G substitution at nucleotide position 1022. The serine at codon 341 is replaced by cysteine, an amino acid with dissimilar properties. This amino acid position is conserved. In addition, the in silico prediction for this alteration is inconclusive. Based on the available evidence, the clinical significance of this variant remains unclear.